The following is an entry in ClinVar:

NM_001457.4(FLNB):c.3949C>T (p.Pro1317Ser)

Gene: FLNB (filamin B; plus strand). Cytogenetic location: 3p14.3.
Variant type: single nucleotide variant.
Coding change: c.3949C>T on transcript NM_001457.4 (MANE Select); coding-DNA position 3949, C replaced by T.
Protein change: p.Pro1317Ser; replaces proline 1317 with serine.
Molecular consequence: missense variant.
Genome position (GRCh38, 1-based): chr3:58,125,631, C>T. VCF-style: chr3-58125631-C-T. GRCh37 (hg19) VCF-style: chr3-58111358-C-T.
Other names: c.3949C>T, p.Pro1317Ser (NM_001164318.2, NM_001164319.2, NM_001164317.2); short protein forms P1317S.
Identifiers: ClinVar variation 3635726 (VCV003635726.2).

ClinVar aggregate classification (germline): Uncertain significance (1 of 4 stars; one submission).

gnomAD v4.1: 1 of 1,614,176 alleles (0.000062%); highest among the groups gnomAD compares: Non-Finnish European, 0.000085%; no homozygotes.

Submission:

Labcorp Genetics (formerly Invitae), Labcorp
Classification: Uncertain significance. Last evaluated: 2024-12-15. Review status: criteria provided, single submitter. Criteria: Invitae Variant Classification Sherloc (09022015). Collection method: clinical testing. Allele origin: germline.
Comment: This sequence change replaces proline, which is neutral and non-polar, with serine, which is neutral and polar, at codon 1317 of the FLNB protein (p.Pro1317Ser). This variant is not present in population databases (gnomAD no frequency). This variant has not been reported in the literature in individuals affected with FLNB-related conditions. Invitae Evidence Modeling of protein sequence and biophysical properties (such as structural, functional, and spatial information, amino acid conservation, physicochemical variation, residue mobility, and thermodynamic stability) has been performed for this missense variant. However, the output from this modeling did not meet the statistical confidence thresholds required to predict the impact of this variant on FLNB protein function. In summary, the available evidence is currently insufficient to determine the role of this variant in disease. Therefore, it has been classified as a Variant of Uncertain Significance.